The following is an entry in ClinVar:

NM_024915.4(GRHL2):c.1546C>T (p.Arg516Trp)

Genes: GRHL2 (grainyhead like transcription factor 2; plus strand), LOC126860461 (CDK7 strongly-dependent group 2 enhancer GRCh37_chr8:102655529-102656728; plus strand). Cytogenetic location: 8q22.3.
Variant type: single nucleotide variant.
Coding change: c.1546C>T on transcript NM_024915.4 (MANE Select); coding-DNA position 1546, C replaced by T.
Protein change: p.Arg516Trp; replaces arginine 516 with tryptophan.
Molecular consequence: missense variant.
Genome position (GRCh38, 1-based): chr8:101,644,159, C>T. VCF-style: chr8-101644159-C-T. GRCh37 (hg19) VCF-style: chr8-102656387-C-T.
Other names: c.1498C>T, p.Arg500Trp (NM_001330593.2); short protein forms R516W, R500W.
Identifiers: ClinVar variation 666837 (VCV000666837.4), dbSNP rs780540983, ClinGen allele CA4830618.
Genomic context (GRCh38, chr8:101,644,159, plus strand): 5'-TTTACTTAAGGATTTCTGCTTATCTTTTCTAGTGGCAGTGTCCTTGTTAAACGGATGTTC[C>T]GGCCCATGGAAGAGGAGTTTGGTCCAGTGCCTTCAAAGCAGATGAAAGAAGAAGGGACAA-3'
Protein context (NP_079191.2, residues 506-526): GGSVLVKRMF[Arg516Trp]PMEEEFGPVP

ClinVar aggregate classification (germline): Uncertain significance (1 of 4 stars; one submission).

Allele frequency attached by ClinVar (database versions not stated): gnomAD 0.00003 and 0.00002; TOPMed 0.00003; ExAC 0.00002; gnomAD exomes 0.00003.
gnomAD v4.1: 48 of 1,613,976 alleles (0.003%); highest among the groups gnomAD compares: Middle Eastern, 0.016%; no homozygotes.

Submission:

Laboratory for Molecular Medicine, Mass General Brigham Personalized Medicine
Classification: Uncertain significance. Last evaluated: 2018-04-10. Review status: criteria provided, single submitter. Criteria: LMM Criteria. Collection method: clinical testing. Allele origin: germline. Observed: 1 variant allele.
Comment: The p.Arg516Trp variant in GRHL2 has not been reported in individuals with heari ng loss, but has been identified in 3/24034 African chromosomes by the Genome Ag gregation Database (gnomAD; dbSNP rs780540983) . Computational prediction tools and conservation analysis do not provide strong support for or against an impact to the protein. In summary, the clinical signi ficance of the p.Arg516Trp variant is uncertain. ACMG/AMP Criteria applied: PM2_ Supporting.